The following is an entry in ClinVar:

NM_181507.2(HPS5):c.1237del (p.Asp412_Leu413insTer)

Gene: HPS5 (HPS5 biogenesis of lysosomal organelles complex 2 subunit 2; minus strand). Cytogenetic location: 11p15.1.
Variant type: Deletion.
Coding change: c.1237del on transcript NM_181507.2 (MANE Select); coding-DNA position 1237, one base deleted (C; older notation c.1237delC).
Protein change: p.Asp412_Leu413insTer.
Molecular consequence: nonsense. On other transcripts: frameshift variant (1).
Genome position (GRCh38, 1-based): chr11:18,297,645, G deleted on the plus strand (C on the coding strand, the reverse complement: HPS5 is on the minus strand). VCF-style (leftmost placement, unchanged base first): chr11-18297644-AG-A. GRCh37 (hg19) VCF-style: chr11-18319191-AG-A.
Other names: c.895del, p.Asp298_Leu299insTer (NM_007216.4); c.895delC, p.Leu299Terfs (NM_181508.2).
Identifiers: ClinVar variation 2747149 (VCV002747149.3), dbSNP rs2494765841, ClinGen allele CA2697548493.

ClinVar aggregate classification (germline): Pathogenic (1 of 4 stars; one submission).

Submission:

Labcorp Genetics (formerly Invitae), Labcorp
Classification: Pathogenic. Last evaluated: 2023-08-03. Review status: criteria provided, single submitter. Criteria: Invitae Variant Classification Sherloc (09022015). Collection method: clinical testing. Allele origin: germline.
Comment: This variant is not present in population databases (gnomAD no frequency). This sequence change creates a premature translational stop signal (p.Leu413*) in the HPS5 gene. It is expected to result in an absent or disrupted protein product. Loss-of-function variants in HPS5 are known to be pathogenic (PMID: 12548288, 15296495, 21833017, 26785811). This variant has not been reported in the literature in individuals affected with HPS5-related conditions. For these reasons, this variant has been classified as Pathogenic.

Literature cited by the submitters: PubMed 12548288; PubMed 15296495; PubMed 21833017; PubMed 26785811.